The following is an entry in ClinVar:

NM_015346.4(ZFYVE26):c.630G>A (p.Val210=)

Gene: ZFYVE26 (zinc finger FYVE-type containing 26; minus strand). Cytogenetic location: 14q24.1.
Variant type: single nucleotide variant.
Coding change: c.630G>A on transcript NM_015346.4 (MANE Select); coding-DNA position 630, G replaced by A.
Protein change: p.Val210=; no amino-acid change (valine 210 retained).
Molecular consequence: synonymous variant.
Genome position (GRCh38, 1-based): chr14:67,807,654, C>T on the plus strand (G>A on the coding strand, the complement: ZFYVE26 is on the minus strand). VCF-style: chr14-67807654-C-T. GRCh37 (hg19) VCF-style: chr14-68274371-C-T.
Identifiers: ClinVar variation 1097287 (VCV001097287.14), dbSNP rs769763847, ClinGen allele CA7240751.

ClinVar aggregate classification (germline): Likely benign. Review status: criteria provided, multiple submitters, no conflicts (2 of 4 stars). 2 submissions from 2 submitters: Likely benign (2). Last evaluated 2026-03-01.

Conditions:
Spastic paraplegia. Identifiers: MedGen C0037772, HP:0001258.

Allele frequency attached by ClinVar (database versions not stated): ExAC 0.00002; gnomAD exomes 0.00002; gnomAD 0.00003.
gnomAD v4.1: 13 of 1,614,062 alleles (0.00081%); highest among the groups gnomAD compares: Admixed American, 0.018%; no homozygotes.

Submissions (2):

CeGaT Center for Human Genetics Tuebingen
Classification: Likely benign. Last evaluated: 2026-03-01. Review status: criteria provided, single submitter. Criteria: CeGaT Center For Human Genetics Tuebingen Variant Classification Criteria Version 2. Collection method: clinical testing. Allele origin: germline. Affected: yes. Observed: 1 variant allele.
Comment: ZFYVE26: BP4, BP7

Labcorp Genetics (formerly Invitae), Labcorp
Classification: Likely benign for Spastic paraplegia. Last evaluated: 2025-06-11. Review status: criteria provided, single submitter. Criteria: Invitae Variant Classification Sherloc (09022015). Collection method: clinical testing. Allele origin: germline.